The following is an entry in ClinVar:

ClinVar aggregate classification (germline): Uncertain significance (1 of 4 stars; one submission).

Conditions:
Leber congenital amaurosis 6 (LCA6). Identifiers: Orphanet 65, MedGen C1854260, MONDO:0013446, OMIM 613826.
Cone-rod dystrophy 13 (CORD13). Identifiers: Orphanet 1872, MedGen C2750720, MONDO:0011987, OMIM 608194.

Submission:

Labcorp Genetics (formerly Invitae), Labcorp
Classification: Uncertain significance for Leber congenital amaurosis 6; Cone-rod dystrophy 13. Last evaluated: 2023-11-27. Review status: criteria provided, single submitter. Criteria: Invitae Variant Classification Sherloc (09022015). Collection method: clinical testing. Allele origin: germline.
Comment: This sequence change replaces glutamic acid, which is acidic and polar, with glycine, which is neutral and non-polar, at codon 47 of the RPGRIP1 protein (p.Glu47Gly). This variant is not present in population databases (gnomAD no frequency). This variant has not been reported in the literature in individuals affected with RPGRIP1-related conditions. ClinVar contains an entry for this variant (Variation ID: 1472511). Advanced modeling of protein sequence and biophysical properties (such as structural, functional, and spatial information, amino acid conservation, physicochemical variation, residue mobility, and thermodynamic stability) performed at Invitae indicates that this missense variant is expected to disrupt RPGRIP1 protein function with a positive predictive value of 80%. In summary, the available evidence is currently insufficient to determine the role of this variant in disease. Therefore, it has been classified as a Variant of Uncertain Significance.

NM_020366.4(RPGRIP1):c.140A>G (p.Glu47Gly)

Gene: RPGRIP1 (RPGR interacting protein 1; plus strand). Cytogenetic location: 14q11.2.
Variant type: single nucleotide variant.
Coding change: c.140A>G on transcript NM_020366.4 (MANE Select); coding-DNA position 140, A replaced by G.
Protein change: p.Glu47Gly; replaces glutamic acid 47 with glycine.
Molecular consequence: missense variant.
Genome position (GRCh38, 1-based): chr14:21,294,731, A>G. VCF-style: chr14-21294731-A-G. GRCh37 (hg19) VCF-style: chr14-21762890-A-G.
Other names: short protein forms E47G.
Identifiers: ClinVar variation 1472511 (VCV001472511.8), dbSNP rs2139144675, ClinGen allele CA388857746.